The following is an entry in ClinVar:

ClinVar aggregate classification (germline): Conflicting classifications of pathogenicity. Review status: criteria provided, conflicting classifications (1 of 4 stars). 6 submissions from 6 submitters: Uncertain significance (5); Likely benign (1). Last evaluated 2025-03-12.

Conditions:
Hereditary spastic paraplegia. Also called: Familial spastic paraparesis. Identifiers: Orphanet 685, MedGen C0037773, MONDO:0019064. Disease mechanism: loss of function.
Hereditary spastic paraplegia 7 (SPG7). Also called: Autosomal recessive spastic paraplegia type 7; Spastic paraplegia 7; Hereditary spastic paraplegia Paraplegin type; SPASTIC PARAPLEGIA 7, AUTOSOMAL RECESSIVE, WITH OR WITHOUT CEREBELLAR ATAXIA; SPG7-related neurologic disorder. Identifiers: Orphanet 99013, MedGen C1846564, MONDO:0011803, OMIM 607259.

Allele frequency attached by ClinVar (database versions not stated): ExAC 0.00001; gnomAD exomes 0.00010; 1000 Genomes Project 0.00020; gnomAD 0.00022; TOPMed 0.00023; 1000 Genomes Project 30x 0.00016.
gnomAD v4.1: 122 of 1,607,286 alleles (0.0076%); highest among the groups gnomAD compares: Admixed American, 0.075%; no homozygotes.

Submissions (6):

GeneDx
Classification: Uncertain significance. Last evaluated: 2025-03-12. Review status: criteria provided, single submitter. Criteria: GeneDx Variant Classification Process June 2021. Collection method: clinical testing. Allele origin: germline. Affected: yes.
Comment: In silico analysis supports that this missense variant has a deleterious effect on protein structure/function; Has not been previously published as pathogenic or benign to our knowledge

Labcorp Genetics (formerly Invitae), Labcorp
Classification: Likely benign for Hereditary spastic paraplegia 7. Last evaluated: 2024-10-23. Review status: criteria provided, single submitter. Criteria: Invitae Variant Classification Sherloc (09022015). Collection method: clinical testing. Allele origin: germline.

Women's Health and Genetics/Laboratory Corporation of America, LabCorp
Classification: Uncertain significance. Last evaluated: 2024-02-28. Review status: criteria provided, single submitter. Criteria: LabCorp Variant Classification Summary - May 2015. Collection method: clinical testing. Allele origin: germline.
Comment: Variant summary: SPG7 c.220G>A (p.Gly74Arg) results in a non-conservative amino acid change in the encoded protein sequence. Five of five in-silico tools predict a damaging effect of the variant on protein function. The variant allele was found at a frequency of 0.0001 in 251020 control chromosomes. To our knowledge, no occurrence of c.220G>A in individuals affected with Hereditary Spastic Paraplegia 7 and no experimental evidence demonstrating its impact on protein function have been reported. ClinVar contains an entry for this variant (Variation ID: 215213). Based on the evidence outlined above, the variant was classified as uncertain significance.

Athena Diagnostics
Classification: Uncertain significance. Last evaluated: 2022-04-13. Review status: criteria provided, single submitter. Criteria: Athena Diagnostics Criteria. Collection method: clinical testing. Allele origin: unknown.

Fulgent Genetics
Classification: Uncertain significance for Hereditary spastic paraplegia 7. Last evaluated: 2018-10-31. Review status: criteria provided, single submitter. Criteria: ACMG Guidelines, 2015. Collection method: clinical testing. Allele origin: unknown.

Genome Diagnostics Laboratory, The Hospital for Sick Children
Classification: Uncertain significance for Hereditary spastic paraplegia. Last evaluated: 2016-12-12. Review status: criteria provided, single submitter. Criteria: ACMG Guidelines, 2015. Collection method: clinical testing. Allele origin: germline. Affected: yes.

NM_003119.4(SPG7):c.220G>A (p.Gly74Arg)

Gene: SPG7 (SPG7 matrix AAA peptidase subunit, paraplegin; plus strand). Cytogenetic location: 16q24.3.
Variant type: single nucleotide variant.
Coding change: c.220G>A on transcript NM_003119.4 (MANE Select); coding-DNA position 220, G replaced by A.
Protein change: p.Gly74Arg; replaces glycine 74 with arginine.
Molecular consequence: missense variant.
Genome position (GRCh38, 1-based): chr16:89,510,526, G>A. VCF-style: chr16-89510526-G-A. GRCh37 (hg19) VCF-style: chr16-89576934-G-A.
Other names: p.G74R:GGG>AGG; c.220G>A, p.Gly74Arg (NM_001363850.1, NM_199367.3); short protein forms G74R.
Identifiers: ClinVar variation 215213 (VCV000215213.19), dbSNP rs114854791, ClinGen allele CA323300.
Genomic context (GRCh38, chr16:89,510,526, plus strand): 5'-GTATTGTTTTTTTTTTTTTTTCAGAGCTTACAATTGAGACTGCTAACCCCTACCTTTGAA[G>A]GGATCAACGGATTGTTGTTGAAACAACATTTAGTTCAGAATCCAGTCAGACTCTGGCAAC-3'
Protein context (NP_003110.1, residues 64-84): QLRLLTPTFE[Gly74Arg]INGLLLKQHL